The following is an entry in ClinVar:

ClinVar aggregate classification (germline): Uncertain significance. Review status: criteria provided, multiple submitters, no conflicts (2 of 4 stars). 2 submissions from 2 submitters: Uncertain significance (2). Last evaluated 2026-08-07.

Conditions:
PLXNA2-related disorder. Also called: PLXNA2-related condition.

Allele frequency attached by ClinVar (database versions not stated): ExAC 0.00001; gnomAD 0.00002; gnomAD exomes 0.00002; TOPMed 0.00002.
gnomAD v4.1: 36 of 1,613,990 alleles (0.0022%); highest among the groups gnomAD compares: Non-Finnish European, 0.0028%; no homozygotes.

Submissions (2):

PreventionGenetics, part of Exact Sciences
Classification: Uncertain significance for PLXNA2-related condition. Last evaluated: 2026-08-07. Review status: criteria provided, single submitter. Criteria: ACMG Guidelines, 2015. Collection method: clinical testing. Allele origin: germline.
Comment: The PLXNA2 c.4690G>A variant is predicted to result in the amino acid substitution p.Val1564Met. To our knowledge, this variant has not been reported in the literature. This variant is reported in 0.0096% of alleles in individuals of Ashkenazi Jewish descent in gnomAD. At this time, the clinical significance of this variant is uncertain due to the absence of conclusive functional and genetic evidence.

Labcorp Genetics (formerly Invitae), Labcorp
Classification: Uncertain significance. Last evaluated: 2024-10-24. Review status: criteria provided, single submitter. Criteria: Invitae Variant Classification Sherloc (09022015). Collection method: clinical testing. Allele origin: germline.
Comment: This sequence change replaces valine, which is neutral and non-polar, with methionine, which is neutral and non-polar, at codon 1564 of the PLXNA2 protein (p.Val1564Met). This variant is present in population databases (rs780741492, gnomAD 0.01%). This variant has not been reported in the literature in individuals affected with PLXNA2-related conditions. Invitae Evidence Modeling of protein sequence and biophysical properties (such as structural, functional, and spatial information, amino acid conservation, physicochemical variation, residue mobility, and thermodynamic stability) indicates that this missense variant is not expected to disrupt PLXNA2 protein function with a negative predictive value of 80%. In summary, the available evidence is currently insufficient to determine the role of this variant in disease. Therefore, it has been classified as a Variant of Uncertain Significance.

NM_025179.4(PLXNA2):c.4690G>A (p.Val1564Met)

Gene: PLXNA2 (plexin A2; minus strand). Cytogenetic location: 1q32.2.
Variant type: single nucleotide variant.
Coding change: c.4690G>A on transcript NM_025179.4 (MANE Select); coding-DNA position 4690, G replaced by A.
Protein change: p.Val1564Met; replaces valine 1564 with methionine.
Molecular consequence: missense variant.
Genome position (GRCh38, 1-based): chr1:208,038,445, C>T on the plus strand (G>A on the coding strand, the complement: PLXNA2 is on the minus strand). VCF-style: chr1-208038445-C-T. GRCh37 (hg19) VCF-style: chr1-208211790-C-T.
Other names: c.4690G>A (NM_025179.3); short protein forms V1564M.
Identifiers: ClinVar variation 2713694 (VCV002713694.6), dbSNP rs780741492, ClinGen allele CA1372786.